The following is an entry in ClinVar:

ClinVar aggregate classification (germline): Pathogenic. Review status: criteria provided, multiple submitters, no conflicts (2 of 4 stars). 4 submissions from 3 submitters: Pathogenic (3). 1 of the submissions does not count toward it. Last evaluated 2024-05-06.

Conditions:
Autosomal recessive limb-girdle muscular dystrophy type 2D (LGMDR3). Also called: ADHALINOPATHY, PRIMARY; DUCHENNE-LIKE AUTOSOMAL RECESSIVE MUSCULAR DYSTROPHY, TYPE 2; MUSCULAR DYSTROPHY, LIMB-GIRDLE, AUTOSOMAL RECESSIVE 3. Identifiers: Orphanet 62, MedGen C2936332, MONDO:0011968, OMIM 608099. Disease mechanism: Affects gamma-sarcoglycan and also disrupts the integrity of the entire sarcoglycan complex..

Allele frequency attached by ClinVar (database versions not stated): gnomAD exomes below 0.00001.

Submissions (4):

Labcorp Genetics (formerly Invitae), Labcorp
Classification: Pathogenic for Autosomal recessive limb-girdle muscular dystrophy type 2D. Last evaluated: 2024-05-06. Review status: criteria provided, single submitter. Criteria: Invitae Variant Classification Sherloc (09022015). Collection method: clinical testing. Allele origin: germline.
Comment: This sequence change results in a frameshift in the SGCA gene (p.Asp328Alafs*90). While this is not anticipated to result in nonsense mediated decay, it is expected to disrupt the last 60 amino acid(s) of the SGCA protein and extend the protein by 29 additional amino acid residues. This variant is not present in population databases (gnomAD no frequency). This frameshift has been observed in individual(s) with clinical features of limb girdle muscular dystrophy (PMID: 27671536; Invitae; external communication). In at least one individual the data is consistent with being in trans (on the opposite chromosome) from a pathogenic variant. This variant is also known as c.608_609insCG. ClinVar contains an entry for this variant (Variation ID: 191294). For these reasons, this variant has been classified as Pathogenic.

Genomic Medicine Center of Excellence, King Faisal Specialist Hospital and Research Centre
Classification: Pathogenic for Autosomal recessive limb-girdle muscular dystrophy type 2D. Last evaluated: 2024-03-29. Review status: criteria provided, single submitter. Criteria: ACMG Guidelines, 2015. Collection method: clinical testing. Allele origin: germline.

Baylor Genetics
Classification: Pathogenic for Autosomal recessive limb-girdle muscular dystrophy type 2D. Last evaluated: 2022-10-27. Review status: criteria provided, single submitter. Criteria: ACMG Guidelines, 2015. Collection method: clinical testing. Allele origin: unknown.

Genomic Medicine Center of Excellence, King Faisal Specialist Hospital and Research Centre
Classification: Likely pathogenic. Review status: flagged submission. Criteria: ACMG Guidelines, 2015. Collection method: research. Allele origin: germline. Affected: yes. Not counted in ClinVar's aggregate classification.
ClinVar note: Reason: This record appears to be redundant with a more recent record from the same submitter.
ClinVar note: Notes: SCV000221684 appears to be redundant with SCV004808262.

Literature cited by the submitters: PubMed 27671536 (cited by Labcorp Genetics (formerly Invitae), Labcorp).

NM_000023.4(SGCA):c.981_982dup (p.Asp328fs)

Gene: SGCA (sarcoglycan alpha; plus strand). Cytogenetic location: 17q21.33.
Variant type: Duplication.
Coding change: c.981_982dup on transcript NM_000023.4 (MANE Select); coding-DNA positions 981 to 982, 2 bases duplicated (CG; older notation c.981_982dupCG).
Protein change: p.Asp328fs; shifts the reading frame from aspartic acid 328.
Molecular consequence: frameshift variant. On other transcripts: non-coding transcript variant (1).
Genome position (GRCh38, 1-based): chr17:50,170,664-50,170,665, CG duplicated. VCF-style (leftmost placement, unchanged base first): chr17-50170663-C-CCG. GRCh37 (hg19) VCF-style: chr17-48248024-C-CCG.
Other names: c.609_610dup, p.Asp204fs (NM_001135697.3); short protein forms D204fs, D328fs.
Identifiers: ClinVar variation 191294 (VCV000191294.6), dbSNP rs796065318, ClinGen allele CA236407.